The following is an entry in ClinVar:

NM_000219.6(KCNE1):c.215A>T (p.Glu72Val)

Gene: KCNE1 (potassium voltage-gated channel subfamily E regulatory subunit 1; minus strand). Cytogenetic location: 21q22.12.
Variant type: single nucleotide variant.
Coding change: c.215A>T on transcript NM_000219.6 (MANE Select); coding-DNA position 215, A replaced by T.
Protein change: p.Glu72Val; replaces glutamic acid 72 with valine.
Molecular consequence: missense variant.
Genome position (GRCh38, 1-based): chr21:34,449,420, T>A on the plus strand (A>T on the coding strand, the complement: KCNE1 is on the minus strand). VCF-style: chr21-34449420-T-A. GRCh37 (hg19) VCF-style: chr21-35821718-T-A.
Other names: c.215A>T, p.Glu72Val (NM_001127668.4, NM_001127669.4, NM_001127670.4 and 4 more transcripts); short protein forms E72V.
Identifiers: ClinVar variation 3374351 (VCV003374351.2).
Genomic context (GRCh38, chr21:34,449,420, plus strand): 5'-TTGTCCTTCTCTTGCCAGGCATCGGACTCGATGTAGACGTTGAATGGGTCGTTCGAGTGC[T>A]CCAGCTTCTTGGAGCGGATGTAGCTCAGCATGATGCCCAGGGTGAAGAAGCCGAAGAATC-3'
Protein context (NP_000210.2, residues 62-82): MLSYIRSKKL[Glu72Val]HSNDPFNVYI

Conditions:
Long QT syndrome 5 (LQT5). Identifiers: Orphanet 101016, Orphanet 768, MedGen C1867904, MONDO:0013372, OMIM 613695.

Submission:

Roden Lab, Vanderbilt University Medical Center
No classification provided (evidence only). Condition: Long QT syndrome 5. Review status: no classification provided. Collection method: in vitro. Allele origin: not applicable. Functional consequence: Effect on ion channel function.
ClinVar note: "not provided" was previously submitted as the classification for the variant. However, the classification appeared to be based only on an observation of functional data so it was converted to no classification on 2025-07-30.